The following is an entry in ClinVar:

NM_000051.4(ATM):c.231A>G (p.Ile77Met)

Gene: ATM (ATM serine/threonine kinase; plus strand). Cytogenetic location: 11q22.3.
Variant type: single nucleotide variant.
Coding change: c.231A>G on transcript NM_000051.4 (MANE Select); coding-DNA position 231, A replaced by G.
Protein change: p.Ile77Met; replaces isoleucine 77 with methionine.
Molecular consequence: missense variant.
Genome position (GRCh38, 1-based): chr11:108,229,223, A>G. VCF-style: chr11-108229223-A-G. GRCh37 (hg19) VCF-style: chr11-108099950-A-G.
Other names: c.231A>G, p.Ile77Met (NM_001351834.2, NM_001351835.2, NM_001351836.2); short protein forms I77M.
Identifiers: ClinVar variation 3634287 (VCV003634287.2).
Genomic context (GRCh38, chr11:108,229,223, plus strand): 5'-TTTGTTTTCTTGAAGATTTTTACAGAAATATATTCAGAAAGAAACAGAATGTCTGAGAAT[A>G]GCAAAACCAAATGTATCAGCCTCAACACAAGCCTCCAGGCAGAAAAAGATGCAGGAAATC-3'
Protein context (NP_000042.3, residues 67-87): YIQKETECLR[Ile77Met]AKPNVSASTQ

ClinVar aggregate classification (germline): Uncertain significance (1 of 4 stars; one submission).

Conditions:
Ataxia-telangiectasia syndrome (AT). Also called: ATAXIA-TELANGIECTASIA, COMPLEMENTATION GROUP A; ATAXIA-TELANGIECTASIA, FRESNO VARIANT; LOUIS-BAR SYNDROME; Cerebello-oculocutaneous telangiectasia; Immunodeficiency with ataxia telangiectasia; Ataxia-telangiectasia, complementation group E. Identifiers: Orphanet 100, MedGen C0004135, MONDO:0008840, OMIM 208900.

gnomAD v4.1: 1 of 1,613,648 alleles (0.000062%); highest among the groups gnomAD compares: South Asian, 0.0011%; no homozygotes.

Submission:

Labcorp Genetics (formerly Invitae), Labcorp
Classification: Uncertain significance for Ataxia-telangiectasia syndrome. Last evaluated: 2024-06-02. Review status: criteria provided, single submitter. Criteria: Invitae Variant Classification Sherloc (09022015). Collection method: clinical testing. Allele origin: germline.
Comment: This sequence change replaces isoleucine, which is neutral and non-polar, with methionine, which is neutral and non-polar, at codon 77 of the ATM protein (p.Ile77Met). This variant is not present in population databases (gnomAD no frequency). This variant has not been reported in the literature in individuals affected with ATM-related conditions. Advanced modeling of protein sequence and biophysical properties (such as structural, functional, and spatial information, amino acid conservation, physicochemical variation, residue mobility, and thermodynamic stability) performed at Invitae indicates that this missense variant is not expected to disrupt ATM protein function with a negative predictive value of 95%. In summary, the available evidence is currently insufficient to determine the role of this variant in disease. Therefore, it has been classified as a Variant of Uncertain Significance.